The following is an entry in ClinVar:

ClinVar aggregate classification (germline): Likely benign (1 of 4 stars; one submission).

gnomAD v4.1: 5 of 1,549,440 alleles (0.00032%); highest among the groups gnomAD compares: Admixed American, 0.0034%; no homozygotes.

Submission:

CeGaT Center for Human Genetics Tuebingen
Classification: Likely benign. Last evaluated: 2026-07-01. Review status: criteria provided, single submitter. Criteria: CeGaT Center For Human Genetics Tuebingen Variant Classification Criteria Version 2. Collection method: clinical testing. Allele origin: germline. Affected: yes. Observed: 1 variant allele.
Comment: TRPA1: BP4, BP7

NM_007332.3(TRPA1):c.2058C>T (p.Leu686=)

Genes: MSC-AS1 (MSC antisense RNA 1; plus strand), TRPA1 (transient receptor potential cation channel subfamily A member 1; minus strand). Cytogenetic location: 8q21.11.
Variant type: single nucleotide variant.
Coding change: c.2058C>T on transcript NM_007332.3 (MANE Select); coding-DNA position 2058, C replaced by T.
Protein change: p.Leu686=; no amino-acid change (leucine 686 retained).
Molecular consequence: synonymous variant.
Genome position (GRCh38, 1-based): chr8:72,046,516, G>A on the plus strand (C>T on the coding strand, the complement: TRPA1 is on the minus strand). VCF-style: chr8-72046516-G-A. GRCh37 (hg19) VCF-style: chr8-72958751-G-A.
Identifiers: ClinVar variation 5039228 (VCV005039228.1).